The following is an entry in ClinVar:

NM_032387.5(WNK4):c.1510C>T (p.Gln504Ter)

Gene: WNK4 (WNK lysine deficient protein kinase 4; plus strand). Cytogenetic location: 17q21.2.
Variant type: single nucleotide variant.
Coding change: c.1510C>T on transcript NM_032387.5 (MANE Select); coding-DNA position 1510, C replaced by T.
Protein change: p.Gln504Ter; replaces glutamine 504 with a stop codon.
Molecular consequence: nonsense.
Genome position (GRCh38, 1-based): chr17:42,787,311, C>T. VCF-style: chr17-42787311-C-T. GRCh37 (hg19) VCF-style: chr17-40939329-C-T.
Other names: c.502C>T, p.Gln168Ter (NM_001321299.2); short protein forms Q168*, Q504*.
Identifiers: ClinVar variation 2159179 (VCV002159179.6), dbSNP rs200593980, ClinGen allele CA8584009.

ClinVar aggregate classification (germline): Conflicting classifications of pathogenicity. Review status: criteria provided, conflicting classifications (1 of 4 stars). 3 submissions from 3 submitters: Uncertain significance (2); Likely benign (1). Last evaluated 2025-11-27.

Conditions:
Pseudohypoaldosteronism type 2B (PHA2B). Also called: Pseudohypoaldosteronism Type IIB. Identifiers: Orphanet 757, Orphanet 88939, MedGen C1840390, MONDO:0013777, OMIM 614491.

Allele frequency attached by ClinVar (database versions not stated): TOPMed 0.00009; ExAC 0.00013; gnomAD exomes 0.00016; gnomAD 0.00017.

Submissions (3):

Labcorp Genetics (formerly Invitae), Labcorp
Classification: Uncertain significance. Last evaluated: 2025-11-27. Review status: criteria provided, single submitter. Criteria: Invitae Variant Classification Sherloc (09022015). Collection method: clinical testing. Allele origin: germline.
Comment: This sequence change creates a premature translational stop signal (p.Gln504*) in the WNK4 gene. It is expected to result in an absent or disrupted protein product. However, the current clinical and genetic evidence is not sufficient to establish whether loss-of-function variants in WNK4 cause disease. This variant is present in population databases (rs200593980, gnomAD 0.03%). This variant has not been reported in the literature in individuals affected with WNK4-related conditions. ClinVar contains an entry for this variant (Variation ID: 2159179). In summary, the available evidence is currently insufficient to determine the role of this variant in disease. Therefore, it has been classified as a Variant of Uncertain Significance.

Fulgent Genetics
Classification: Likely benign for Pseudohypoaldosteronism type 2B. Last evaluated: 2024-06-10. Review status: criteria provided, single submitter. Criteria: ACMG Guidelines, 2015. Collection method: clinical testing. Allele origin: germline.

Women's Health and Genetics/Laboratory Corporation of America, LabCorp
Classification: Uncertain significance. Last evaluated: 2024-04-05. Review status: criteria provided, single submitter. Criteria: LabCorp Variant Classification Summary - May 2015. Collection method: clinical testing. Allele origin: germline.
Comment: Variant summary: WNK4 c.1510C>T (p.Gln504X) results in a premature termination codon, predicted to cause absence of the protein due to nonsense mediated decay, however the molecular mechanism of disease attributed to WNK4 is gain-of-function. The variant allele was found at a frequency of 0.00013 in 251362 control chromosomes (gnomAD). To our knowledge, no occurrence of c.1510C>T in individuals affected with Pseudohypoaldosteronism Type 2B and no experimental evidence demonstrating its impact on protein function have been reported. ClinVar contains an entry for this variant (Variation ID: 2159179). Based on the evidence outlined above, the variant was classified as uncertain significance.